The following is an entry in ClinVar:

ClinVar aggregate classification (germline): Likely benign. Review status: criteria provided, multiple submitters, no conflicts (2 of 4 stars). 5 submissions from 5 submitters: Likely benign (4). 1 of the submissions does not count toward it. Last evaluated 2026-01-13.

Conditions:
Hereditary cancer-predisposing syndrome. Also called: Neoplastic Syndromes, Hereditary; Hereditary Cancer Syndrome; Tumor predisposition; Hereditary neoplastic syndrome. Identifiers: Orphanet 140162, MedGen C0027672, MeSH D009386, MONDO:0015356.
Ataxia-telangiectasia syndrome (AT). Also called: LOUIS-BAR SYNDROME; Cerebello-oculocutaneous telangiectasia; Immunodeficiency with ataxia telangiectasia; Ataxia-telangiectasia, complementation group D; AT, COMPLEMENTATION GROUP C; Ataxia-telangiectasia, complementation group E. Identifiers: Orphanet 100, MedGen C0004135, MONDO:0008840, OMIM 208900.
Familial cancer of breast. Also called: Hereditary breast cancer; BREAST CANCER, FAMILIAL; hereditary breast carcinoma. Identifiers: Orphanet 227535, MedGen C0346153, MONDO:0016419, OMIM 114480. Disease mechanism: loss of function.

Allele frequency attached by ClinVar (database versions not stated): TOPMed 0.00001; gnomAD exomes 0.00001 and below 0.00001.
gnomAD v4.1: 12 of 1,614,222 alleles (0.00074%); highest among the groups gnomAD compares: Non-Finnish European, 0.00093%; no homozygotes.

Submissions (5):

Labcorp Genetics (formerly Invitae), Labcorp
Classification: Likely benign for Ataxia-telangiectasia syndrome. Last evaluated: 2026-01-13. Review status: criteria provided, single submitter. Criteria: Invitae Variant Classification Sherloc (09022015). Collection method: clinical testing. Allele origin: germline.

Women's Health and Genetics/Laboratory Corporation of America, LabCorp
Classification: Likely benign. Last evaluated: 2024-12-11. Review status: criteria provided, single submitter. Criteria: LabCorp Variant Classification Summary - May 2015. Collection method: clinical testing. Allele origin: germline.

Myriad Genetics, Inc.
Classification: Likely benign for Familial cancer of breast. Last evaluated: 2024-06-24. Review status: criteria provided, single submitter. Criteria: Myriad Autosomal Dominant, Autosomal Recessive and X-Linked Classification Criteria (2023). Collection method: clinical testing. Allele origin: unknown.
Comment: This variant is considered likely benign. This variant is intronic and is not expected to impact mRNA splicing.

Color Diagnostics, LLC DBA Color Health
Classification: Likely benign for Hereditary cancer-predisposing syndrome. Last evaluated: 2018-08-13. Review status: criteria provided, single submitter. Criteria: ACMG Guidelines, 2015. Collection method: clinical testing. Allele origin: germline.

Counsyl
Classification: Likely benign for Ataxia-telangiectasia syndrome. Last evaluated: 2018-05-10. Review status: no assertion criteria provided. Collection method: clinical testing. Allele origin: unknown. Not counted in ClinVar's aggregate classification.

NM_000051.4(ATM):c.8987+10A>G

Genes: ATM (ATM serine/threonine kinase; plus strand), C11orf65 (chromosome 11 open reading frame 65; minus strand). Cytogenetic location: 11q22.3.
Variant type: single nucleotide variant.
Coding change: c.8987+10A>G on transcript NM_000051.4 (MANE Select); 10 bases into the intron after coding-DNA position 8987, A replaced by G.
Molecular consequence: intron variant.
Genome position (GRCh38, 1-based): chr11:108,365,228, A>G. VCF-style: chr11-108365228-A-G. GRCh37 (hg19) VCF-style: chr11-108235955-A-G.
Other names: c.8987+10A>G (NM_001351834.2); c.640+20692T>C (NM_001330368.2); c.694+20692T>C (NM_001351110.2).
Identifiers: ClinVar variation 414603 (VCV000414603.17), dbSNP rs1060504308, ClinGen allele CA16613526.